The following is an entry in ClinVar:

ClinVar aggregate classification (germline): Likely pathogenic (1 of 4 stars; one submission).

Conditions:
Very long chain acyl-CoA dehydrogenase deficiency (ACADVLD). Also called: Very Long-Chain Acyl-Coenzyme A Dehydrogenase Deficiency; VLCAD Deficiency. Identifiers: Orphanet 26793, MedGen C3887523, MONDO:0008723, OMIM 201475.

Submission:

Labcorp Genetics (formerly Invitae), Labcorp
Classification: Likely pathogenic for Very long chain acyl-CoA dehydrogenase deficiency. Last evaluated: 2022-11-29. Review status: criteria provided, single submitter. Criteria: Invitae Variant Classification Sherloc (09022015). Collection method: clinical testing. Allele origin: germline.
Comment: This sequence change replaces glycine, which is neutral and non-polar, with arginine, which is basic and polar, at codon 439 of the ACADVL protein (p.Gly439Arg). This variant is not present in population databases (gnomAD no frequency). This missense change has been observed in individual(s) with a positive newborn screening result for ACADVL-related disease (Invitae). ClinVar contains an entry for this variant (Variation ID: 1017042). Advanced modeling of protein sequence and biophysical properties (such as structural, functional, and spatial information, amino acid conservation, physicochemical variation, residue mobility, and thermodynamic stability) performed at Invitae indicates that this missense variant is expected to disrupt ACADVL protein function. Algorithms developed to predict the effect of sequence changes on RNA splicing suggest that this variant may disrupt the consensus splice site. This variant disrupts the p.Gly439 amino acid residue in ACADVL. Other variant(s) that disrupt this residue have been determined to be pathogenic (PMID: 17999356, 23480858; Invitae). This suggests that this residue is clinically significant, and that variants that disrupt this residue are likely to be disease-causing. In summary, the currently available evidence indicates that the variant is pathogenic, but additional data are needed to prove that conclusively. Therefore, this variant has been classified as Likely Pathogenic.

Literature cited by the submitters: PubMed 17999356; PubMed 23480858.

NM_000018.4(ACADVL):c.1315G>C (p.Gly439Arg)

Gene: ACADVL (acyl-CoA dehydrogenase very long chain; plus strand). Cytogenetic location: 17p13.1.
Variant type: single nucleotide variant.
Coding change: c.1315G>C on transcript NM_000018.4 (MANE Select); coding-DNA position 1315, G replaced by C.
Protein change: p.Gly439Arg; replaces glycine 439 with arginine.
Molecular consequence: missense variant.
Genome position (GRCh38, 1-based): chr17:7,223,858, G>C. VCF-style: chr17-7223858-G-C. GRCh37 (hg19) VCF-style: chr17-7127177-G-C.
Other names: c.1249G>C, p.Gly417Arg (NM_001033859.3); c.1384G>C, p.Gly462Arg (NM_001270447.2); c.1087G>C, p.Gly363Arg (NM_001270448.2); short protein forms G363R, G417R, G439R, G462R.
Identifiers: ClinVar variation 1017042 (VCV001017042.8), dbSNP rs2071346311, ClinGen allele CA397724849.